The following is an entry in ClinVar:

NM_001384732.1(CPLANE1):c.5051C>A (p.Ser1684Ter)

Gene: CPLANE1 (ciliogenesis and planar polarity effector complex subunit 1; minus strand). Cytogenetic location: 5p13.2.
Variant type: single nucleotide variant.
Coding change: c.5051C>A on transcript NM_001384732.1 (MANE Select); coding-DNA position 5051, C replaced by A.
Protein change: p.Ser1684Ter; replaces serine 1684 with a stop codon.
Molecular consequence: nonsense.
Genome position (GRCh38, 1-based): chr5:37,183,130, G>T on the plus strand (C>A on the coding strand, the complement: CPLANE1 is on the minus strand). VCF-style: chr5-37183130-G-T. GRCh37 (hg19) VCF-style: chr5-37183232-G-T.
Other names: c.5051C>A, p.Ser1684Ter (NM_023073.4); short protein forms S1684*.
Identifiers: ClinVar variation 4850320 (VCV004850320.1).

ClinVar aggregate classification (germline): Pathogenic (1 of 4 stars; one submission).

Conditions:
Joubert syndrome 17 (JBTS17). Identifiers: Orphanet 475, MedGen C3553264, MONDO:0013824, OMIM 614615.
Orofaciodigital syndrome type 6 (OFD6). Also called: OROFACIODIGITAL SYNDROME VI; OFDS VI; POLYDACTYLY, CLEFT LIP/PALATE OR LINGUAL LUMP, AND PSYCHOMOTOR RETARDATION; VARADI SYNDROME; VARADI-PAPP SYNDROME; Oral-facial-digital syndrome type 6. Identifiers: Orphanet 2754, MedGen C2745997, MONDO:0010176, OMIM 277170.

Submission:

First Genomix Gene Laboratory, Genetic Diagnostics Department
Classification: Pathogenic for Joubert syndrome 17; Orofaciodigital syndrome type 6. Last evaluated: 2025-09-15. Review status: criteria provided, single submitter. Criteria: ACMG Guidelines, 2015. Collection method: clinical testing. Allele origin: germline. Inheritance: Autosomal recessive inheritance. Affected: no. Observed: 1 variant allele.